The following is an entry in ClinVar:

ClinVar aggregate classification (germline): Likely pathogenic. Review status: criteria provided, multiple submitters, no conflicts (2 of 4 stars). 2 submissions from 2 submitters: Likely pathogenic (2). Last evaluated 2025-10-09.

Submissions (2):

Dasa
Classification: Likely pathogenic. Last evaluated: 2025-10-09. Review status: criteria provided, single submitter. Criteria: DASA Assertion Criteria. Collection method: clinical testing. Allele origin: germline.
Comment: NM_000396.4(CTSK):c.437G>C (p.Gly146Ala) is a missense variant that results in the substitution of glycine with alanine. The affected residue or protein region has prior evidence supporting clinical relevance. Functional evidence supports an impact on the gene or gene product. Also, this variant is absent from population databases. Computational evidence supports a deleterious effect. Based on the currently available evidence, this variant is classified as likely pathogenic.

Labcorp Genetics (formerly Invitae), Labcorp
Classification: Likely pathogenic. Last evaluated: 2022-10-05. Review status: criteria provided, single submitter. Criteria: Invitae Variant Classification Sherloc (09022015). Collection method: clinical testing. Allele origin: germline.
Comment: This sequence change replaces glycine, which is neutral and non-polar, with alanine, which is neutral and non-polar, at codon 146 of the CTSK protein (p.Gly146Ala). This variant is not present in population databases (gnomAD no frequency). This variant has not been reported in the literature in individuals affected with CTSK-related conditions. ClinVar contains an entry for this variant (Variation ID: 1521355). Advanced modeling of protein sequence and biophysical properties (such as structural, functional, and spatial information, amino acid conservation, physicochemical variation, residue mobility, and thermodynamic stability) performed at Invitae indicates that this missense variant is not expected to disrupt CTSK protein function. This variant disrupts the p.Gly146 amino acid residue in CTSK. Other variant(s) that disrupt this residue have been determined to be pathogenic (PMID: 8703060, 20044043, 27558267). This suggests that this residue is clinically significant, and that variants that disrupt this residue are likely to be disease-causing. In summary, the currently available evidence indicates that the variant is pathogenic, but additional data are needed to prove that conclusively. Therefore, this variant has been classified as Likely Pathogenic.

Literature cited by the submitters: PubMed 8703060 (cited by Labcorp Genetics (formerly Invitae), Labcorp); PubMed 20044043 (cited by Labcorp Genetics (formerly Invitae), Labcorp); PubMed 27558267 (cited by Labcorp Genetics (formerly Invitae), Labcorp).

NM_000396.4(CTSK):c.437G>C (p.Gly146Ala)

Gene: CTSK (cathepsin K; minus strand). Cytogenetic location: 1q21.3.
Variant type: single nucleotide variant.
Coding change: c.437G>C on transcript NM_000396.4 (MANE Select); coding-DNA position 437, G replaced by C.
Protein change: p.Gly146Ala; replaces glycine 146 with alanine.
Molecular consequence: missense variant.
Genome position (GRCh38, 1-based): chr1:150,804,202, C>G on the plus strand (G>C on the coding strand, the complement: CTSK is on the minus strand). VCF-style: chr1-150804202-C-G. GRCh37 (hg19) VCF-style: chr1-150776678-C-G.
Other names: short protein forms G146A.
Identifiers: ClinVar variation 1521355 (VCV001521355.5), dbSNP rs2101951629, ClinGen allele CA342336720.